The following is an entry in ClinVar:

ClinVar aggregate classification (germline): Likely benign (0 of 4 stars; one submission).

Conditions:
STARD9-related disorder. Also called: STARD9-related condition.

Allele frequency attached by ClinVar (database versions not stated): ExAC 0.00047; 1000 Genomes Project 30x 0.00078; 1000 Genomes Project 0.00100; gnomAD 0.00112; TOPMed 0.00136; ESP Exome Variant Server 0.00153.
gnomAD v4.1: 364 of 1,537,164 alleles (0.024%); highest among the groups gnomAD compares: African/African-American, 0.47%; no homozygotes.

Submission:

PreventionGenetics, part of Exact Sciences
Classification: Likely benign for STARD9-related condition. Last evaluated: 2019-08-06. Review status: no assertion criteria provided. Collection method: clinical testing. Allele origin: germline.
Comment: This variant is classified as likely benign based on ACMG/AMP sequence variant interpretation guidelines (Richards et al. 2015 PMID: 25741868, with internal and published modifications).

NM_020759.3(STARD9):c.4365A>C (p.Glu1455Asp)

Gene: STARD9 (StAR related lipid transfer domain containing 9; plus strand). Cytogenetic location: 15q15.2.
Variant type: single nucleotide variant.
Coding change: c.4365A>C on transcript NM_020759.3 (MANE Select); coding-DNA position 4365, A replaced by C.
Protein change: p.Glu1455Asp; replaces glutamic acid 1455 with aspartic acid.
Molecular consequence: missense variant.
Genome position (GRCh38, 1-based): chr15:42,685,943, A>C. VCF-style: chr15-42685943-A-C. GRCh37 (hg19) VCF-style: chr15-42978141-A-C.
Other names: short protein forms E1455D.
Identifiers: ClinVar variation 3035250 (VCV003035250.2), dbSNP rs376229251, ClinGen allele CA7514327.